The following is an entry in ClinVar:

NM_005159.5(ACTC1):c.161C>T (p.Ser54Phe)

Genes: GJD2-DT (GJD2 divergent transcript; plus strand), ACTC1 (actin alpha cardiac muscle 1; minus strand). Cytogenetic location: 15q14.
Variant type: single nucleotide variant.
Coding change: c.161C>T on transcript NM_005159.5 (MANE Select); coding-DNA position 161, C replaced by T.
Protein change: p.Ser54Phe; replaces serine 54 with phenylalanine.
Molecular consequence: missense variant.
Genome position (GRCh38, 1-based): chr15:34,793,538, G>A on the plus strand (C>T on the coding strand, the complement: ACTC1 is on the minus strand). VCF-style: chr15-34793538-G-A. GRCh37 (hg19) VCF-style: chr15-35085739-G-A.
Other names: p.S54F:TCC>TTC; c.161C>T (LRG_388t1); short protein forms S54F.
Identifiers: ClinVar variation 180756 (VCV000180756.4), dbSNP rs730880391, ClinGen allele CA019669.

ClinVar aggregate classification (germline): Uncertain significance. Review status: criteria provided, multiple submitters, no conflicts (2 of 4 stars). 2 submissions from 2 submitters: Uncertain significance (2). Last evaluated 2024-11-12.

Conditions:
Atrial septal defect 5 (ASD5). Identifiers: Orphanet 1478, MedGen C2748552, MONDO:0013011, OMIM 612794.
Dilated cardiomyopathy 1R (CMD1R). Identifiers: Orphanet 154, Orphanet 54260, MedGen C3150681, MONDO:0013261, OMIM 613424.
Hypertrophic cardiomyopathy 11. Also called: ACTC1-Related Familial Hypertrophic Cardiomyopathy. Identifiers: MedGen C2677506, MONDO:0012799, OMIM 612098.

Submissions (2):

Labcorp Genetics (formerly Invitae), Labcorp
Classification: Uncertain significance for Dilated cardiomyopathy 1R; Hypertrophic cardiomyopathy 11; Atrial septal defect 5. Last evaluated: 2024-11-12. Review status: criteria provided, single submitter. Criteria: Invitae Variant Classification Sherloc (09022015). Collection method: clinical testing. Allele origin: germline.
Comment: This sequence change replaces serine, which is neutral and polar, with phenylalanine, which is neutral and non-polar, at codon 54 of the ACTC1 protein (p.Ser54Phe). This variant is not present in population databases (gnomAD no frequency). This variant has not been reported in the literature in individuals affected with ACTC1-related conditions. ClinVar contains an entry for this variant (Variation ID: 180756). Invitae Evidence Modeling of protein sequence and biophysical properties (such as structural, functional, and spatial information, amino acid conservation, physicochemical variation, residue mobility, and thermodynamic stability) indicates that this missense variant is not expected to disrupt ACTC1 protein function with a negative predictive value of 80%. In summary, the available evidence is currently insufficient to determine the role of this variant in disease. Therefore, it has been classified as a Variant of Uncertain Significance.

GeneDx
Classification: Uncertain significance. Last evaluated: 2012-11-01. Review status: criteria provided, single submitter. Criteria: GeneDx Variant Classification (06012015). Collection method: clinical testing. Allele origin: germline. Affected: yes.
Comment: p.Ser54Phe (TCC>TTC):c.161 C>T in exon 3 of the ACTC1 gene (NM_005159.4)T. he Ser54Phe variant in the ACTC1 gene has not been reported as a disease-causing mutation or as a benign polymorphism to our knowledge. Ser54Phe results in a non-conservative amino acid substitution of a polar Serine residue with a non-polar Phenylalanine residue at a position that is conserved across species. In silico analysis predicts Ser54Phe is probably damaging to the protein structure/function. The NHLBI ESP Exome Variant Server reports Ser54Phe was not observed in approximately 6,500 samples from individuals of European and African American backgrounds, indicating it is not a common benign variant in these populations. Nevertheless, no mutations in nearby residues of the ACTC1 gene have been reported in association with cardiomyopathy, indicating this region could be tolerant of change. With the clinical and molecular information available at this time, we cannot definitively determine if Ser54Phe is a disease-causing mutation or a rare benign variant. The variant is found in DCM panel(s).